The following is an entry in ClinVar:

ClinVar aggregate classification (germline): Likely pathogenic (1 of 4 stars; one submission).

Conditions:
Severe combined immunodeficiency due to DCLRE1C deficiency (RS-SCID). Also called: SCID, AUTOSOMAL RECESSIVE, T CELL-NEGATIVE, B CELL-NEGATIVE, NK CELL-POSITIVE, WITH SENSITIVITY TO IONIZING RADIATION. Identifiers: Orphanet 275, MedGen C1865371, MONDO:0011225, OMIM 602450.

Submission:

Labcorp Genetics (formerly Invitae), Labcorp
Classification: Likely pathogenic for Athabaskan severe combined immunodeficiency. Last evaluated: 2020-01-01. Review status: criteria provided, single submitter. Criteria: Invitae Variant Classification Sherloc (09022015). Collection method: clinical testing. Allele origin: germline.
Comment: In summary, the currently available evidence indicates that the variant is pathogenic, but additional data are needed to prove that conclusively. Therefore, this variant has been classified as Likely Pathogenic. Loss-of-function variants in DCLRE1C are known to be pathogenic (PMID: 21664875, 26123418). This variant has not been reported in the literature in individuals with DCLRE1C-related conditions. This variant results in a copy number gain of the genomic region encompassing exons 9-10 of the DCLRE1C gene. While the exact position of this variant cannot be determined from this data, sub-genic copy number gains are generally in tandem (PMID: 25640679) and may result in an absent or disrupted protein product.

Literature cited by the submitters: PubMed 21664875; PubMed 26123418; PubMed 25640679.

NC_000010.10:g.(?_14969995)_(14974974_?)dup

Gene: DCLRE1C (DNA cross-link repair 1C; minus strand). Cytogenetic location: 10p13.
Variant type: Duplication.
Identifiers: ClinVar variation 1066854 (VCV001066854.5).